The following is an entry in ClinVar:

NM_006118.4(HAX1):c.556+13G>A

Gene: HAX1 (HCLS1 associated protein X-1; plus strand). Cytogenetic location: 1q21.3.
Variant type: single nucleotide variant.
Coding change: c.556+13G>A on transcript NM_006118.4 (MANE Select); 13 bases into the intron after coding-DNA position 556, G replaced by A.
Molecular consequence: intron variant.
Genome position (GRCh38, 1-based): chr1:154,275,014, G>A. VCF-style: chr1-154275014-G-A. GRCh37 (hg19) VCF-style: chr1-154247490-G-A.
Other names: c.412+13G>A (NM_001018837.2).
Identifiers: ClinVar variation 508398 (VCV000508398.5), dbSNP rs771282580, ClinGen allele CA1127379.
Genomic context (GRCh38, chr1:154,275,014, plus strand): 5'-ATGATGTATGGCCTATGGACCCCCATCCTAGAACCAGAGAGGACAATGGTAAGTCTGGAG[G>A]AAGGGGAAGTTTACCAGCCTTTTGTTATTCTTCTGAAGTTCTGTGTGTTCTCCCTCCCTG-3'

ClinVar aggregate classification (germline): Likely benign. Review status: criteria provided, multiple submitters, no conflicts (2 of 4 stars). 2 submissions from 2 submitters: Likely benign (2). Last evaluated 2025-12-15.

Conditions:
Kostmann syndrome (SCN3). Also called: Autosomal recessive severe congenital neutropenia type 3; KOSTMANN DISEASE. Identifiers: Orphanet 99749, MedGen C5235141, MONDO:0012548, OMIM 610738.

Allele frequency attached by ClinVar (database versions not stated): gnomAD exomes below 0.00001 and 0.00001; ExAC 0.00001; gnomAD 0.00002; TOPMed 0.00002.
gnomAD v4.1: 8 of 1,602,718 alleles (0.0005%); highest among the groups gnomAD compares: African/African-American, 0.011%; no homozygotes.

Submissions (2):

Labcorp Genetics (formerly Invitae), Labcorp
Classification: Likely benign for Kostmann syndrome. Last evaluated: 2025-12-15. Review status: criteria provided, single submitter. Criteria: Invitae Variant Classification Sherloc (09022015). Collection method: clinical testing. Allele origin: germline.

GeneDx
Classification: Likely benign. Last evaluated: 2017-03-22. Review status: criteria provided, single submitter. Criteria: GeneDx Variant Classification (06012015). Collection method: clinical testing. Allele origin: germline. Affected: yes.
Comment: This variant is considered likely benign or benign based on one or more of the following criteria: it is a conservative change, it occurs at a poorly conserved position in the protein, it is predicted to be benign by multiple in silico algorithms, and/or has population frequency not consistent with disease.